The following is an entry in ClinVar:

ClinVar aggregate classification (germline): Conflicting classifications of pathogenicity. Review status: criteria provided, conflicting classifications (1 of 4 stars). 10 submissions from 10 submitters: Uncertain significance (2); Benign (1); Likely benign (6). 1 of the submissions does not count toward it. Last evaluated 2026-07-01.

Conditions:
CACNA1A-related disorder. Also called: CACNA1A-related condition.
Developmental and epileptic encephalopathy, 42 (DEE42A). Also called: Epileptic encephalopathy, early infantile, 42; DEVELOPMENTAL AND EPILEPTIC ENCEPHALOPATHY 42A; EPILEPTIC ENCEPHALOPATHY, EARLY INFANTILE, 42A. Identifiers: MedGen C4310716, MONDO:0014917, OMIM 617106.
Episodic ataxia type 2 (EA2). Also called: ACETAZOLAMIDE-RESPONSIVE HEREDITARY PAROXYSMAL CEREBELLAR ATAXIA; ATAXIA, EPISODIC, WITH NYSTAGMUS; ATAXIA, FAMILIAL PAROXYSMAL; CEREBELLAR ATAXIA, PAROXYSMAL, ACETAZOLAMIDE-RESPONSIVE; CEREBELLOPATHY, HEREDITARY PAROXYSMAL; EPISODIC ATAXIA, NYSTAGMUS-ASSOCIATED. Identifiers: Orphanet 97, MedGen C1720416, MONDO:0007163, OMIM 108500.
Inborn genetic diseases. Identifiers: MedGen C0950123, MeSH D030342.
Migraine, familial hemiplegic, 1. Also called: MIGRAINE, FAMILIAL HEMIPLEGIC 1, WITH PROGRESSIVE CEREBELLAR ATAXIA. Identifiers: Orphanet 569, MedGen C1832884, MONDO:0020756, OMIM 141500, MONDO:0007714.
Spinocerebellar ataxia type 6 (SCA6). Identifiers: Orphanet 98758, MedGen C0752124, MONDO:0008457, OMIM 183086.

Allele frequency attached by ClinVar (database versions not stated): gnomAD exomes 0.00019 and 0.00043; gnomAD 0.00024 and 0.00025; ExAC 0.00016; TOPMed 0.00026; ESP Exome Variant Server 0.00041.
gnomAD v4.1: 664 of 1,613,578 alleles (0.041%); highest among the groups gnomAD compares: Non-Finnish European, 0.052%; no homozygotes.

Submissions (10):

CeGaT Center for Human Genetics Tuebingen
Classification: Likely benign. Last evaluated: 2026-07-01. Review status: criteria provided, single submitter. Criteria: CeGaT Center For Human Genetics Tuebingen Variant Classification Criteria Version 2. Collection method: clinical testing. Allele origin: germline. Affected: yes. Observed: 13 variant alleles.
Comment: CACNA1A: BS1

Labcorp Genetics (formerly Invitae), Labcorp
Classification: Likely benign for Developmental and epileptic encephalopathy, 42; Episodic ataxia type 2. Last evaluated: 2025-12-03. Review status: criteria provided, single submitter. Criteria: Invitae Variant Classification Sherloc (09022015). Collection method: clinical testing. Allele origin: germline.

Women's Health and Genetics/Laboratory Corporation of America, LabCorp
Classification: Likely benign. Last evaluated: 2025-11-18. Review status: criteria provided, single submitter. Criteria: LabCorp Variant Classification Summary - May 2015. Collection method: clinical testing. Allele origin: germline.
Comment: Variant summary: CACNA1A c.3230C>T (p.Ala1077Val) results in a non-conservative amino acid change in the encoded protein sequence. Algorithms developed to predict the effect of missense changes on protein structure and function are either unavailable or do not agree on the potential impact of this missense change. The variant allele was found at a frequency of 0.00019 in 245950 control chromosomes (gnomAD). The occurrence in multuple unaffected controls suggests it is a benign polymorphism. To our knowledge, no occurrence of c.3230C>T in individuals affected with CACNA1A-related conditions and no experimental evidence demonstrating its impact on protein function have been reported. ClinVar contains an entry for this variant (Variation ID: 385136). Based on the evidence outlined above, the variant was classified as likely benign.

Athena Diagnostics
Classification: Benign. Last evaluated: 2025-06-02. Review status: criteria provided, single submitter. Criteria: Athena Diagnostics Criteria. Collection method: clinical testing. Allele origin: unknown.
Comment: The frequency of this variant in the general population is higher than would generally be expected for pathogenic variants in this gene. Computational tools predict this amino acid change may be benign.

Blueprint Genetics
Classification: Likely benign. Last evaluated: 2024-10-31. Review status: criteria provided, single submitter. Criteria: ACMG Guidelines, 2015. Collection method: clinical testing. Allele origin: germline.

GeneDx
Classification: Likely benign. Last evaluated: 2020-08-04. Review status: criteria provided, single submitter. Criteria: GeneDx Variant Classification Process June 2021. Collection method: clinical testing. Allele origin: germline. Affected: yes.

Institute of Human Genetics, University of Leipzig Medical Center
Classification: Uncertain significance for Developmental and epileptic encephalopathy, 42. Last evaluated: 2019-08-19. Review status: criteria provided, single submitter. Criteria: ACMG Guidelines, 2015. Collection method: clinical testing. Allele origin: germline. Affected: yes. Observed: 1 variant allele.

Ambry Genetics
Classification: Likely benign for Inborn genetic diseases. Last evaluated: 2019-01-07. Review status: criteria provided, single submitter. Criteria: Ambry Variant Classification Scheme 2023. Collection method: clinical testing. Allele origin: germline.

Center for Genomics, Ann and Robert H. Lurie Children's Hospital of Chicago
Classification: Uncertain significance for Spinocerebellar ataxia type 6; Episodic ataxia type 2; Developmental and epileptic encephalopathy, 42; Migraine, familial hemiplegic, 1. Review status: criteria provided, single submitter. Criteria: ACMG Guidelines, 2015. Collection method: clinical testing. Allele origin: germline.
Comment: CACNA1A NM_001127221.1 exon 20 p.Ala1077Val (c.3230C>T): This variant has not been reported in the literature but is present in 37/124988 European alleles in the Genome Aggregation Database. This variant is present in ClinVar (Variation ID:385136). Evolutionary conservation and computational predictive tools suggest that this variant may not impact the protein. In summary, data on this variant is insufficient for disease classification. Therefore, the clinical significance of this variant is uncertain.

PreventionGenetics, part of Exact Sciences
Classification: Likely benign for CACNA1A-related condition. Last evaluated: 2023-06-19. Review status: no assertion criteria provided. Collection method: clinical testing. Allele origin: germline. Not counted in ClinVar's aggregate classification.
Comment: This variant is classified as likely benign based on ACMG/AMP sequence variant interpretation guidelines (Richards et al. 2015 PMID: 25741868, with internal and published modifications).

Literature cited by the submitters: PubMed 29486580 (cited by Athena Diagnostics); PubMed 31440721 (cited by Athena Diagnostics).

NM_001127222.2(CACNA1A):c.3227C>T (p.Ala1076Val)

Gene: CACNA1A (calcium voltage-gated channel subunit alpha1 A; minus strand). Cytogenetic location: 19p13.13.
Variant type: single nucleotide variant.
Coding change: c.3227C>T on transcript NM_001127222.2 (MANE Select); coding-DNA position 3227, C replaced by T.
Protein change: p.Ala1076Val; replaces alanine 1076 with valine.
Molecular consequence: missense variant.
Genome position (GRCh38, 1-based): chr19:13,286,829, G>A on the plus strand (C>T on the coding strand, the complement: CACNA1A is on the minus strand). VCF-style: chr19-13286829-G-A. GRCh37 (hg19) VCF-style: chr19-13397643-G-A.
Other names: c.3227C>T (NM_001127222.1); c.3239C>T, p.Ala1080Val (NM_000068.4, NM_023035.3); c.3230C>T, p.Ala1077Val (NM_001127221.2, NM_001174080.2); short protein forms A1077V, A1080V, A1076V.
Identifiers: ClinVar variation 385136 (VCV000385136.62), dbSNP rs199512932, ClinGen allele CA9240384.